The following is an entry in ClinVar:

NM_001303256.3(MORC2):c.941G>A (p.Arg314Gln)

Gene: MORC2 (MORC family CW-type zinc finger 2; minus strand). Cytogenetic location: 22q12.2.
Variant type: single nucleotide variant.
Coding change: c.941G>A on transcript NM_001303256.3 (MANE Select); coding-DNA position 941, G replaced by A.
Protein change: p.Arg314Gln; replaces arginine 314 with glutamine.
Molecular consequence: missense variant.
Genome position (GRCh38, 1-based): chr22:30,940,005, C>T on the plus strand (G>A on the coding strand, the complement: MORC2 is on the minus strand). VCF-style: chr22-30940005-C-T. GRCh37 (hg19) VCF-style: chr22-31335992-C-T.
Other names: c.941G>A, p.Arg314Gln (NM_001303257.2); c.755G>A, p.Arg252Gln (NM_014941.3); short protein forms R252Q, R314Q.
Identifiers: ClinVar variation 862836 (VCV000862836.11), dbSNP rs751140985, ClinGen allele CA10187096.

ClinVar aggregate classification (germline): Uncertain significance. Review status: criteria provided, multiple submitters, no conflicts (2 of 4 stars). 2 submissions from 2 submitters: Uncertain significance (2). Last evaluated 2026-08-19.

Conditions:
Charcot-Marie-Tooth disease axonal type 2Z. Also called: CHARCOT-MARIE-TOOTH DISEASE, AXONAL, AUTOSOMAL DOMINANT, TYPE 2Z; CHARCOT-MARIE-TOOTH NEUROPATHY, TYPE 2Z. Identifiers: Orphanet 466768, MedGen C5569025, MONDO:0014736, OMIM 616688.
MORC2-related disorder. Also called: MORC2-related condition.

Allele frequency attached by ClinVar (database versions not stated): gnomAD 0.00001; gnomAD exomes 0.00001; ExAC 0.00002; TOPMed 0.00002.
gnomAD v4.1: 18 of 1,613,852 alleles (0.0011%); highest among the groups gnomAD compares: Non-Finnish European, 0.0013%; no homozygotes.

Submissions (2):

PreventionGenetics, part of Exact Sciences
Classification: Uncertain significance for MORC2-related condition. Last evaluated: 2026-08-19. Review status: criteria provided, single submitter. Criteria: ACMG Guidelines, 2015. Collection method: clinical testing. Allele origin: germline.
Comment: The MORC2 c.941G>A variant is predicted to result in the amino acid substitution p.Arg314Gln. To our knowledge, this variant has not been reported in the literature. This variant is reported in 0.0018% of alleles in individuals of European (non-Finnish) descent in gnomAD. At this time, the clinical significance of this variant is uncertain due to the absence of conclusive functional and genetic evidence.

Labcorp Genetics (formerly Invitae), Labcorp
Classification: Uncertain significance for Charcot-Marie-Tooth disease axonal type 2Z. Last evaluated: 2025-07-27. Review status: criteria provided, single submitter. Criteria: Invitae Variant Classification Sherloc (09022015). Collection method: clinical testing. Allele origin: germline.
Comment: This sequence change replaces arginine, which is basic and polar, with glutamine, which is neutral and polar, at codon 314 of the MORC2 protein (p.Arg314Gln). This variant is present in population databases (rs751140985, gnomAD 0.002%). This variant has not been reported in the literature in individuals affected with MORC2-related conditions. ClinVar contains an entry for this variant (Variation ID: 862836). Invitae Evidence Modeling of protein sequence and biophysical properties (such as structural, functional, and spatial information, amino acid conservation, physicochemical variation, residue mobility, and thermodynamic stability) indicates that this missense variant is expected to disrupt MORC2 protein function with a positive predictive value of 95%. In summary, the available evidence is currently insufficient to determine the role of this variant in disease. Therefore, it has been classified as a Variant of Uncertain Significance.